The following is an entry in ClinVar:

ClinVar aggregate classification (germline): Uncertain significance. Review status: criteria provided, multiple submitters, no conflicts (2 of 4 stars). 4 submissions from 3 submitters: Uncertain significance (4). Last evaluated 2025-06-29.

Conditions:
Mevalonic aciduria (MEVA). Identifiers: Orphanet 29, MedGen C1959626, MONDO:0012481, OMIM 610377.
Porokeratosis 3, disseminated superficial actinic type (POROK3). Also called: POROKERATOSIS, DISSEMINATED SUPERFICIAL ACTINIC, 1; POROKERATOSIS 3, MULTIPLE TYPES; POROKERATOSIS 3, MIBELLI TYPE. Identifiers: MedGen C1867981, MONDO:0008293, OMIM 175900.
Hyperimmunoglobulin D with periodic fever (HIDS). Also called: HYPERIMMUNOGLOBULINEMIA D AND PERIODIC FEVER SYNDROME; Hyperimmunoglobulinemia D; Hyperimmunoglobulinemia D with periodic fever. Identifiers: Orphanet 343, MedGen C0398691, MONDO:0009849, OMIM 260920.

Allele frequency attached by ClinVar (database versions not stated): TOPMed 0.00003; ExAC 0.00005; gnomAD 0.00007; gnomAD exomes 0.00007; ESP Exome Variant Server 0.00015.

Submissions (4):

Labcorp Genetics (formerly Invitae), Labcorp
Classification: Uncertain significance for Mevalonic aciduria; Hyperimmunoglobulin D with periodic fever; Porokeratosis 3, disseminated superficial actinic type. Last evaluated: 2025-06-29. Review status: criteria provided, single submitter. Criteria: Invitae Variant Classification Sherloc (09022015). Collection method: clinical testing. Allele origin: germline.
Comment: This sequence change replaces alanine, which is neutral and non-polar, with threonine, which is neutral and polar, at codon 111 of the MVK protein (p.Ala111Thr). This variant is present in population databases (rs371257609, gnomAD 0.04%). This variant has not been reported in the literature in individuals affected with MVK-related conditions. ClinVar contains an entry for this variant (Variation ID: 307094). An algorithm developed to predict the effect of missense changes on protein structure and function outputs the following: PolyPhen-2: "Benign". The threonine amino acid residue is found in multiple mammalian species, which suggests that this missense change does not adversely affect protein function. In summary, the available evidence is currently insufficient to determine the role of this variant in disease. Therefore, it has been classified as a Variant of Uncertain Significance.

ARUP Laboratories, Molecular Genetics and Genomics, ARUP Laboratories
Classification: Uncertain significance. Last evaluated: 2021-01-20. Review status: criteria provided, single submitter. Criteria: ARUP Molecular Germline Variant Investigation Process 2021. Collection method: clinical testing. Allele origin: germline.
Comment: The MVK c.331G>A; p.Ala111Thr variant (rs371257609), to our knowledge, is not reported in the medical literature or gene specific databases. The variant is listed in the ClinVar database (Variation ID: 307094) and is found in the general population with an overall allele frequency of 0.006% (18/282866) in the Genome Aggregation Database The alanine at codon 111 is highly conserved but computational analyses are uncertain whether this variant is neutral or deleterious (REVEL: 0.508). Due to limited information, the clinical significance of the p.Ala111Thr variant is uncertain at this time.

Illumina Laboratory Services, Illumina
Classification: Uncertain significance for Hyperimmunoglobulin D with periodic fever. Last evaluated: 2018-01-13. Review status: criteria provided, single submitter. Criteria: ICSL Variant Classification Criteria 13 December 2019. Collection method: clinical testing. Allele origin: germline.

Illumina Laboratory Services, Illumina
Classification: Uncertain significance for Mevalonic aciduria. Last evaluated: 2018-01-13. Review status: criteria provided, single submitter. Criteria: ICSL Variant Classification Criteria 13 December 2019. Collection method: clinical testing. Allele origin: germline.

NM_000431.4(MVK):c.331G>A (p.Ala111Thr)

Gene: MVK (mevalonate kinase; plus strand). Cytogenetic location: 12q24.11.
Variant type: single nucleotide variant.
Coding change: c.331G>A on transcript NM_000431.4 (MANE Select); coding-DNA position 331, G replaced by A.
Protein change: p.Ala111Thr; replaces alanine 111 with threonine.
Molecular consequence: missense variant.
Genome position (GRCh38, 1-based): chr12:109,579,906, G>A. VCF-style: chr12-109579906-G-A. GRCh37 (hg19) VCF-style: chr12-110017711-G-A.
Other names: c.331G>A (LRG_156t1); c.331G>A, p.Ala111Thr (NM_001114185.3, NM_001301182.2); short protein forms A111T.
Identifiers: ClinVar variation 307094 (VCV000307094.18), dbSNP rs371257609, ClinGen allele CA6779220.